The following is an entry in ClinVar:

NM_002016.2(FLG):c.4786C>T (p.Gln1596Ter)

Genes: FLG (filaggrin; minus strand), FLG-AS1 (FLG antisense RNA 1; plus strand). Cytogenetic location: 1q21.3.
Variant type: single nucleotide variant.
Coding change: c.4786C>T on transcript NM_002016.2 (MANE Select); coding-DNA position 4786, C replaced by T.
Protein change: p.Gln1596Ter; replaces glutamine 1596 with a stop codon.
Molecular consequence: nonsense.
Genome position (GRCh38, 1-based): chr1:152,310,100, G>A on the plus strand (C>T on the coding strand, the complement: FLG is on the minus strand). VCF-style: chr1-152310100-G-A. GRCh37 (hg19) VCF-style: chr1-152282576-G-A.
Other names: short protein forms Q1596*.
Identifiers: ClinVar variation 280555 (VCV000280555.2), dbSNP rs756998312, ClinGen allele CA10602733.
Genomic context (GRCh38, chr1:152,310,100, plus strand): 5'-TGGAAGCCGACTCAGACCGCCTCTCAGAGTCTTCTGAGTGTCCCTCACTGTCCCTGTCCT[G>A]ACTAACACTGGATCCCTGGCGCCTGCTTGTCTTGGACCCCGCTGATTCTCCCTGGCCCAC-3'

ClinVar aggregate classification (germline): Pathogenic (1 of 4 stars; one submission).

gnomAD v4.1: 15 of 1,613,814 alleles (0.00093%); highest among the groups gnomAD compares: Non-Finnish European, 0.0012%; no homozygotes.

Submission:

GeneDx
Classification: Pathogenic. Last evaluated: 2016-04-25. Review status: criteria provided, single submitter. Criteria: GeneDx Variant Classification (06012015). Collection method: clinical testing. Allele origin: germline. Affected: yes.
Comment: The Q1596X pathogenic variant in the FLG gene has not been reported previously as a pathogenic variant nor as a benign variant, to our knowledge. This variant is predicted to cause loss of normal protein function through protein truncation. The Q1596X variant was not observed in approximately 6500 individuals of European and African American ancestry in the NHLBI Exome Sequencing Project, indicating it is not a common benign variant in these populations. We interpret Q1596X as a pathogenic variant.